The following is an entry in ClinVar:

NM_001042492.3(NF1):c.1815del (p.Cys606fs)

Gene: NF1 (neurofibromin 1; plus strand). Cytogenetic location: 17q11.2.
Variant type: Deletion.
Coding change: c.1815del on transcript NM_001042492.3 (MANE Select); coding-DNA position 1815, one base deleted (C; older notation c.1815delC).
Protein change: p.Cys606fs; shifts the reading frame from cysteine 606.
Molecular consequence: frameshift variant.
Genome position (GRCh38, 1-based): chr17:31,223,537, C deleted. VCF-style (leftmost placement, unchanged base first): chr17-31223536-TC-T. GRCh37 (hg19) VCF-style: chr17-29550554-TC-T.
Other names: c.1815delC (NM_000267.3); c.1815delC, p.Cys606Alafs (NM_000267.4); short protein forms C606fs.
Identifiers: ClinVar variation 581113 (VCV000581113.5), dbSNP rs1567845935, ClinGen allele CA891844358.

ClinVar aggregate classification (germline): Pathogenic (1 of 4 stars; one submission).

Conditions:
Neurofibromatosis, type 1 (NF1). Also called: Peripheral type neurofibromatosis; Neurofibromatosis, type I; VON RECKLINGHAUSEN DISEASE; NEUROFIBROMATOSIS, TYPE I, SOMATIC. Identifiers: Orphanet 636, MedGen C0027831, MONDO:0018975, OMIM 162200. Disease mechanism: loss of function.

Submission:

Labcorp Genetics (formerly Invitae), Labcorp
Classification: Pathogenic for Neurofibromatosis, type 1. Last evaluated: 2023-08-01. Review status: criteria provided, single submitter. Criteria: Invitae Variant Classification Sherloc (09022015). Collection method: clinical testing. Allele origin: germline.
Comment: This variant has not been reported in the literature in individuals affected with NF1-related conditions. This sequence change creates a premature translational stop signal (p.Cys606Alafs*25) in the NF1 gene. It is expected to result in an absent or disrupted protein product. Loss-of-function variants in NF1 are known to be pathogenic (PMID: 10712197, 23913538). This variant is not present in population databases (gnomAD no frequency). ClinVar contains an entry for this variant (Variation ID: 581113). Algorithms developed to predict the effect of sequence changes on RNA splicing suggest that this variant may disrupt the consensus splice site. For these reasons, this variant has been classified as Pathogenic.

Literature cited by the submitters: PubMed 10712197; PubMed 23913538.